The following is an entry in ClinVar:

NM_000548.5(TSC2):c.1265C>T (p.Ser422Phe)

Gene: TSC2 (TSC complex subunit 2; plus strand). Cytogenetic location: 16p13.3.
Variant type: single nucleotide variant.
Coding change: c.1265C>T on transcript NM_000548.5 (MANE Select); coding-DNA position 1265, C replaced by T.
Protein change: p.Ser422Phe; replaces serine 422 with phenylalanine.
Molecular consequence: missense variant.
Genome position (GRCh38, 1-based): chr16:2,062,504, C>T. VCF-style: chr16-2062504-C-T. GRCh37 (hg19) VCF-style: chr16-2112505-C-T.
Other names: c.665C>T, p.Ser222Phe (NM_001318831.2); c.1298C>T, p.Ser433Phe (NM_001318832.2); c.1265C>T, p.Ser422Phe (NM_001363528.2, NM_001370404.1, NM_001370405.1 and 3 more transcripts); c.1154C>T, p.Ser385Phe (NM_001318827.2); c.1118C>T, p.Ser373Phe (NM_001318829.2); short protein forms S222F, S373F, S385F, S422F, S433F.
Identifiers: ClinVar variation 1311983 (VCV001311983.10), dbSNP rs2151163315, ClinGen allele CA394321845.

ClinVar aggregate classification (germline): Uncertain significance. Review status: criteria provided, multiple submitters, no conflicts (2 of 4 stars). 3 submissions from 3 submitters: Uncertain significance (3). Last evaluated 2025-11-10.

Conditions:
Hereditary cancer-predisposing syndrome. Also called: Neoplastic Syndromes, Hereditary; Hereditary Cancer Syndrome; Tumor predisposition; Hereditary neoplastic syndrome. Identifiers: Orphanet 140162, MedGen C0027672, MeSH D009386, MONDO:0015356.
Tuberous sclerosis 2 (TSC2). Identifiers: Orphanet 805, MedGen C1860707, MONDO:0013199, OMIM 613254.

gnomAD v4.1: 1 of 1,610,008 alleles (0.000062%); highest among the groups gnomAD compares: African/African-American, 0.0013%; no homozygotes.

Submissions (3):

Labcorp Genetics (formerly Invitae), Labcorp
Classification: Uncertain significance for Tuberous sclerosis 2. Last evaluated: 2025-11-10. Review status: criteria provided, single submitter. Criteria: Invitae Variant Classification Sherloc (09022015). Collection method: clinical testing. Allele origin: germline.
Comment: This sequence change replaces serine, which is neutral and polar, with phenylalanine, which is neutral and non-polar, at codon 422 of the TSC2 protein (p.Ser422Phe). This variant is not present in population databases (gnomAD no frequency). This variant has not been reported in the literature in individuals affected with TSC2-related conditions. ClinVar contains an entry for this variant (Variation ID: 1311983). Invitae Evidence Modeling of protein sequence and biophysical properties (such as structural, functional, and spatial information, amino acid conservation, physicochemical variation, residue mobility, and thermodynamic stability) indicates that this missense variant is not expected to disrupt TSC2 protein function with a negative predictive value of 95%. In summary, the available evidence is currently insufficient to determine the role of this variant in disease. Therefore, it has been classified as a Variant of Uncertain Significance.

Ambry Genetics
Classification: Uncertain significance for Hereditary cancer-predisposing syndrome. Last evaluated: 2025-08-08. Review status: criteria provided, single submitter. Criteria: Ambry Variant Classification Scheme 2023. Collection method: clinical testing. Allele origin: germline.
Comment: The p.S422F variant (also known as c.1265C>T), located in coding exon 12 of the TSC2 gene, results from a C to T substitution at nucleotide position 1265. The serine at codon 422 is replaced by phenylalanine, an amino acid with highly dissimilar properties. This amino acid position is highly conserved in available vertebrate species. In addition, this alteration is predicted to be deleterious by in silico analysis. Based on the available evidence, the clinical significance of this variant remains unclear.

GeneDx
Classification: Uncertain significance. Last evaluated: 2020-01-18. Review status: criteria provided, single submitter. Criteria: GeneDx Variant Classification Process June 2021. Collection method: clinical testing. Allele origin: germline. Affected: yes.
Comment: Not observed in large population cohorts (Lek et al., 2016); In silico analysis, which includes protein predictors and evolutionary conservation, supports a deleterious effect; Has not been previously published as pathogenic or benign germline variant to our knowledge; This variant is associated with the following publications: (PMID: 28789352)